The following is an entry in ClinVar:

ClinVar aggregate classification (germline): Uncertain significance (1 of 4 stars; one submission).

Submission:

Ambry Genetics
Classification: Uncertain significance. Last evaluated: 2026-08-11. Review status: criteria provided, single submitter. Criteria: Ambry Variant Classification Scheme 2023. Collection method: clinical testing. Allele origin: germline.
Comment: The p.D50N variant (also known as c.148G>A), located in coding exon 1 of the WNK2 gene, results from a G to A substitution at nucleotide position 148. The aspartic acid at codon 50 is replaced by asparagine, an amino acid with highly similar properties. This amino acid position is conserved. In addition, this alteration is predicted to be tolerated by in silico analysis. Based on the available evidence, the clinical significance of this variant remains unclear.

NM_006648.4(WNK2):c.148G>A (p.Asp50Asn)

Gene: WNK2 (WNK lysine deficient protein kinase 2; plus strand). Cytogenetic location: 9q22.31.
Variant type: single nucleotide variant.
Coding change: c.148G>A on transcript NM_006648.4 (MANE Select); coding-DNA position 148, G replaced by A.
Protein change: p.Asp50Asn; replaces aspartic acid 50 with asparagine.
Molecular consequence: missense variant.
Genome position (GRCh38, 1-based): chr9:93,185,077, G>A. VCF-style: chr9-93185077-G-A. GRCh37 (hg19) VCF-style: chr9-95947359-G-A.
Other names: c.148G>A, p.Asp50Asn (NM_001282394.3); short protein forms D50N.
Identifiers: ClinVar variation 5031924 (VCV005031924.1).